The following is an entry in ClinVar:

ClinVar aggregate classification (germline): Benign/Likely benign. Review status: criteria provided, multiple submitters, no conflicts (2 of 4 stars). 8 submissions from 8 submitters: Benign (2); Likely benign (3). 3 of the submissions do not count toward it. Last evaluated 2025-11-24.

Conditions:
NHS-related disorder. Also called: NHS-related condition.
Nance-Horan syndrome (NHS). Identifiers: Orphanet 627, MedGen C0796085, MONDO:0010545, OMIM 302350.
Intellectual disability. Also called: Intellectual functioning disability; Intellectual developmental disorder; intellectual disabilities. Identifiers: MedGen C3714756, MeSH D008607, MONDO:0001071, HP:0001249.

Allele frequency attached by ClinVar (database versions not stated): ExAC 0.00058; 1000 Genomes Project 30x 0.00062; gnomAD 0.00074 and 0.00075; 1000 Genomes Project 0.00026; gnomAD exomes 0.00139 and 0.00066; TOPMed 0.00067; ESP Exome Variant Server 0.00076.
gnomAD v4.1: 1,585 of 1,209,897 alleles (0.13%); highest among the groups gnomAD compares: Non-Finnish European, 0.17%; no homozygotes.

Submissions (8):

Labcorp Genetics (formerly Invitae), Labcorp
Classification: Benign for Nance-Horan syndrome. Last evaluated: 2025-11-24. Review status: criteria provided, single submitter. Criteria: Invitae Variant Classification Sherloc (09022015). Collection method: clinical testing. Allele origin: germline.

Blueprint Genetics
Classification: Likely benign. Last evaluated: 2024-11-27. Review status: criteria provided, single submitter. Criteria: ACMG Guidelines, 2015. Collection method: clinical testing. Allele origin: germline.

Cambridge Genomics Laboratory, East Genomic Laboratory Hub, NHS Genomic Medicine Service
Classification: Likely benign for Intellectual disability. Last evaluated: 2020-03-30. Review status: criteria provided, single submitter. Criteria: ACGS Best Practice Guidelines for Variant Classification in Rare Disease 2020. Collection method: clinical testing. Allele origin: germline. Affected: yes. Observed: 1 variant allele.

Genetic Services Laboratory, University of Chicago
Classification: Benign. Last evaluated: 2018-02-09. Review status: criteria provided, single submitter. Criteria: ACMG Guidelines, 2015. Collection method: clinical testing. Allele origin: germline. Affected: no.

Eurofins Ntd Llc (ga)
Classification: Likely benign. Last evaluated: 2016-07-25. Review status: criteria provided, single submitter. Criteria: EGL Classification Definitions 2015. Collection method: clinical testing. Allele origin: germline. Observed: 2 variant alleles, 1 heterozygote, 1 hemizygote.

PreventionGenetics, part of Exact Sciences
Classification: Likely benign for NHS-related condition. Last evaluated: 2021-02-11. Review status: no assertion criteria provided. Collection method: clinical testing. Allele origin: germline. Not counted in ClinVar's aggregate classification.
Comment: This variant is classified as likely benign based on ACMG/AMP sequence variant interpretation guidelines (Richards et al. 2015 PMID: 25741868, with internal and published modifications).

Clinical Genetics DNA and cytogenetics Diagnostics Lab, Erasmus MC, Erasmus Medical Center
Classification: Benign. Review status: no assertion criteria provided. Collection method: clinical testing. Allele origin: germline. Affected: yes. Study: VKGL Data-share Consensus. Not counted in ClinVar's aggregate classification.

Laboratory of Diagnostic Genome Analysis, Leiden University Medical Center (LUMC)
Classification: Likely benign. Review status: no assertion criteria provided. Collection method: clinical testing. Allele origin: germline. Affected: yes. Study: VKGL Data-share Consensus. Not counted in ClinVar's aggregate classification.

NM_001291867.2(NHS):c.3929G>T (p.Gly1310Val)

Gene: NHS (NHS actin remodeling regulator; plus strand). Cytogenetic location: Xp22.13.
Variant type: single nucleotide variant.
Coding change: c.3929G>T on transcript NM_001291867.2 (MANE Select); coding-DNA position 3929, G replaced by T.
Protein change: p.Gly1310Val; replaces glycine 1310 with valine.
Molecular consequence: missense variant.
Genome position (GRCh38, 1-based): chrX:17,728,035, G>T. VCF-style: chrX-17728035-G-T. GRCh37 (hg19) VCF-style: chrX-17746155-G-T.
Other names: c.3398G>T, p.Gly1133Val (NM_001136024.4); c.3335G>T, p.Gly1112Val (NM_001291868.2); c.3866G>T, p.Gly1289Val (NM_198270.4); short protein forms G1289V, G1133V, G1310V, G1112V.
Identifiers: ClinVar variation 96640 (VCV000096640.23), dbSNP rs41304731, ClinGen allele CA209470.
Genomic context (GRCh38, chrX:17,728,035, plus strand): 5'-TACAATATGGACCTGGTCCAGACGAAACTCTAGAACAGGTACAGAAGGCACCCTCTGCAG[G>T]TCTGGAGGAAGTTGCACAACCTGAATCTGTGGATGTAATCACATCTCAGTCAGACTCACC-3'
Protein context (NP_001278796.1, residues 1300-1320): LEQVQKAPSA[Gly1310Val]LEEVAQPESV